The following is an entry in ClinVar:

ClinVar aggregate classification (germline): Likely pathogenic (1 of 4 stars; one submission).

Conditions:
UNC79-related disorder. Also called: UNC79-related condition.

Submission:

3billion
Classification: Likely pathogenic for UNC79-related disorder. Last evaluated: 2025-07-21. Review status: criteria provided, single submitter. Criteria: ACMG Guidelines, 2015. Collection method: clinical testing. Allele origin: germline. Affected: yes.
Comment: The variant is not observed in the gnomAD v4.1.0 dataset. Predicted Consequence/Location: Frameshift: predicted to result in a loss or disruption of normal protein function through nonsense-mediated decay (NMD) or protein truncation. Multiple pathogenic variants are reported downstream of the variant. Therefore, this variant is classified as Likely pathogenic according to the recommendation of ACMG/AMP guideline.

NM_001395159.1(UNC79):c.3190+3_3190+10dup

Gene: UNC79 (unc-79 subunit of NALCN channel complex; plus strand). Cytogenetic location: 14q32.12.
Variant type: Duplication.
Coding change: c.3190+3_3190+10dup on transcript NM_001395159.1 (MANE Select); bases 3 to 10 of the intron after coding-DNA position 3190, 8 bases duplicated (ACCTCTGT; older notation c.3190+3_3190+10dupACCTCTGT).
Molecular consequence: splice donor variant.
Genome position (GRCh38, 1-based): chr14:93,593,840-93,593,847, ACCTCTGT duplicated; duplicating any 8 consecutive bases within chr14:93,593,838-93,593,847 gives the same sequence; the c. name uses the placement nearest the transcript's 3' end. VCF-style (leftmost placement, unchanged base first): chr14-93593837-G-GGTACCTCT. GRCh37 (hg19) VCF-style: chr14-94060183-G-GGTACCTCT.
Other names: c.2659+3_2659+10dup (NM_020818.5); c.3190+3_3190+10dup (NM_001346218.2).
Identifiers: ClinVar variation 4854205 (VCV004854205.1).
Genomic context (GRCh38, chr14:93,593,837, plus strand): 5'-TTCTGGACAATCATAAATGGCAATTTCAACAGCAAAGACTGGAAGATGAGGTTTGAAGCA[G>GGTACCTCT]GTACCTCTGTGTTAGCTTAAAACTCATTCTGGGTCACACAGTACACGGGTGTCTGGTCAC-3'